The following is an entry in ClinVar:

ClinVar aggregate classification (germline): Conflicting classifications of pathogenicity. Review status: criteria provided, conflicting classifications (1 of 4 stars). 2 submissions from 2 submitters: Uncertain significance (1); Likely benign (1). Last evaluated 2023-03-23.

Conditions:
Hereditary breast ovarian cancer syndrome. Also called: BRCA1- and BRCA2-Associated Hereditary Breast and Ovarian Cancer; Hereditary breast and ovarian cancer syndrome (HBOC); Hereditary breast and/or ovarian cancer syndrome; Hereditary breast and ovarian cancer syndrome; Hereditary breast and ovarian cancer; Breast and ovarian cancer. Identifiers: Orphanet 145, MedGen C0677776, MeSH D061325, MONDO:0003582. Disease mechanism: loss of function.
Hereditary cancer-predisposing syndrome. Also called: Hereditary neoplastic syndrome; Neoplastic Syndromes, Hereditary; Hereditary Cancer Syndrome; Tumor predisposition. Identifiers: Orphanet 140162, MedGen C0027672, MeSH D009386, MONDO:0015356.

Submissions (2):

University of Washington Department of Laboratory Medicine, University of Washington
Classification: Likely benign for Hereditary cancer-predisposing syndrome. Last evaluated: 2023-03-23. Review status: criteria provided, single submitter. Criteria: Dines et al. (Genet Med. 2020). Collection method: curation. Allele origin: germline.
Comment: Missense variant in a coldspot region where missense variants are very unlikely to be pathogenic (PMID:31911673).

BRCA1 coldspot (exon 11 using historical exon numbering). Reclassification based on statistical prior probability

Labcorp Genetics (formerly Invitae), Labcorp
Classification: Uncertain significance for Hereditary breast ovarian cancer syndrome. Last evaluated: 2022-09-27. Review status: criteria provided, single submitter. Criteria: Invitae Variant Classification Sherloc (09022015). Collection method: clinical testing. Allele origin: germline.
Comment: In summary, the available evidence is currently insufficient to determine the role of this variant in disease. Therefore, it has been classified as a Variant of Uncertain Significance. Advanced modeling of protein sequence and biophysical properties (such as structural, functional, and spatial information, amino acid conservation, physicochemical variation, residue mobility, and thermodynamic stability) performed at Invitae indicates that this missense variant is not expected to disrupt BRCA1 protein function. This variant has not been reported in the literature in individuals affected with BRCA1-related conditions. This variant is not present in population databases (gnomAD no frequency). This sequence change replaces glycine, which is neutral and non-polar, with valine, which is neutral and non-polar, at codon 1073 of the BRCA1 protein (p.Gly1073Val).

NM_007294.4(BRCA1):c.3218G>T (p.Gly1073Val)

Genes: BRCA1 (BRCA1 DNA repair associated; minus strand), LOC126862571 (BRD4-independent group 4 enhancer GRCh37_chr17:41243136-41244335; plus strand). Cytogenetic location: 17q21.31.
Variant type: single nucleotide variant.
Coding change: c.3218G>T on transcript NM_007294.4 (MANE Select); coding-DNA position 3218, G replaced by T.
Protein change: p.Gly1073Val; replaces glycine 1073 with valine.
Molecular consequence: missense variant. On other transcripts: intron variant (137).
Genome position (GRCh38, 1-based): chr17:43,092,313, C>A on the plus strand (G>T on the coding strand, the complement: BRCA1 is on the minus strand). VCF-style: chr17-43092313-C-A. GRCh37 (hg19) VCF-style: chr17-41244330-C-A.
Other names: c.404-1281G>T (NM_001408511.1); c.647-1281G>T (NM_001408457.1, NM_001408460.1, NM_001408454.1 and 11 more transcripts); c.521-1281G>T (NM_001408505.1, NM_001408503.1, NM_001408504.1); c.461-1281G>T (NM_001408507.1, NM_001408506.1); c.545-1281G>T (NM_001408495.1); c.662-1281G>T (NM_001408448.1, NM_001408446.1, NM_001408435.1 and 6 more transcripts); c.668-1281G>T (NM_001408421.1, NM_001408431.1, NM_001408424.1); c.785-1281G>T (NM_001407991.1, NM_001408397.1, NM_001408401.1 and 13 more transcripts); and 41 more; short protein forms G1002V, G1003V, G1005V, G1006V, G1025V, G1026V, G1031V, G1032V.
Identifiers: ClinVar variation 1720465 (VCV001720465.8), dbSNP rs757632961, ClinGen allele CA10595543.